The following is an entry in ClinVar:

ClinVar aggregate classification (germline): Uncertain significance (1 of 4 stars; one submission).

Conditions:
Cardiovascular phenotype. Identifiers: MedGen CN230736.

Submission:

Ambry Genetics
Classification: Uncertain significance for Cardiovascular phenotype. Last evaluated: 2023-03-28. Review status: criteria provided, single submitter. Criteria: Ambry Variant Classification Scheme 2023. Collection method: clinical testing. Allele origin: germline.
Comment: The p.C2934W variant (also known as c.8802C>G), located in coding exon 10 of the ALMS1 gene, results from a C to G substitution at nucleotide position 8802. The cysteine at codon 2934 is replaced by tryptophan, an amino acid with highly dissimilar properties. This amino acid position is poorly conserved in available vertebrate species. In addition, this alteration is predicted to be tolerated by in silico analysis. Since supporting evidence is limited at this time, the clinical significance of this alteration remains unclear.

NM_001378454.1(ALMS1):c.8799C>G (p.Cys2933Trp)

Gene: ALMS1 (ALMS1 centrosome and basal body associated protein; plus strand). Cytogenetic location: 2p13.1.
Variant type: single nucleotide variant.
Coding change: c.8799C>G on transcript NM_001378454.1 (MANE Select); coding-DNA position 8799, C replaced by G.
Protein change: p.Cys2933Trp; replaces cysteine 2933 with tryptophan.
Molecular consequence: missense variant.
Genome position (GRCh38, 1-based): chr2:73,490,758, C>G. VCF-style: chr2-73490758-C-G. GRCh37 (hg19) VCF-style: chr2-73717885-C-G.
Other names: c.8802C>G, p.Cys2934Trp (NM_015120.4); short protein forms C2933W, C2934W.
Identifiers: ClinVar variation 2564325 (VCV002564325.2), dbSNP rs2103893317, ClinGen allele CA347270621.